The following is an entry in ClinVar:

ClinVar aggregate classification (germline): Uncertain significance (1 of 4 stars; one submission).

Conditions:
Weaver syndrome (WVS). Also called: Weaver Smith syndrome; Overgrowth syndrome with accelerated skeletal maturation, unusual facies, and camptodactyly. Identifiers: Orphanet 3447, MedGen C0265210, MONDO:0010193, OMIM 277590.

Submission:

Labcorp Genetics (formerly Invitae), Labcorp
Classification: Uncertain significance for Weaver syndrome. Last evaluated: 2023-10-05. Review status: criteria provided, single submitter. Criteria: Invitae Variant Classification Sherloc (09022015). Collection method: clinical testing. Allele origin: germline.
Comment: This sequence change replaces methionine, which is neutral and non-polar, with valine, which is neutral and non-polar, at codon 705 of the EZH2 protein (p.Met705Val). This variant is not present in population databases (gnomAD no frequency). This variant has not been reported in the literature in individuals affected with EZH2-related conditions. An algorithm developed to predict the effect of missense changes on protein structure and function (PolyPhen-2) suggests that this variant is likely to be tolerated. In summary, the available evidence is currently insufficient to determine the role of this variant in disease. Therefore, it has been classified as a Variant of Uncertain Significance.

NM_004456.5(EZH2):c.2113A>G (p.Met705Val)

Gene: EZH2 (enhancer of zeste 2 polycomb repressive complex 2 subunit; minus strand). Cytogenetic location: 7q36.1.
Variant type: single nucleotide variant.
Coding change: c.2113A>G on transcript NM_004456.5 (MANE Select); coding-DNA position 2113, A replaced by G.
Protein change: p.Met705Val; replaces methionine 705 with valine.
Molecular consequence: missense variant.
Genome position (GRCh38, 1-based): chr7:148,809,153, T>C on the plus strand (A>G on the coding strand, the complement: EZH2 is on the minus strand). VCF-style: chr7-148809153-T-C. GRCh37 (hg19) VCF-style: chr7-148506245-T-C.
Other names: c.2098A>G, p.Met700Val (NM_001203247.2); c.2071A>G, p.Met691Val (NM_001203248.2); c.1945A>G, p.Met649Val (NM_001203249.2); c.1981A>G, p.Met661Val (NM_152998.3); short protein forms M700V, M705V, M649V, M661V, M691V.
Identifiers: ClinVar variation 2898796 (VCV002898796.3), dbSNP rs2536275793, ClinGen allele CA369712078.